The following is an entry in ClinVar:

ClinVar aggregate classification (germline): Conflicting classifications of pathogenicity. Review status: criteria provided, conflicting classifications (1 of 4 stars). 6 submissions from 6 submitters: Uncertain significance (5); Benign (1). Last evaluated 2026-01-09.

Conditions:
NF1-related disorder. Also called: NF1-related condition. Identifiers: MedGen CN379171.
Cardiovascular phenotype. Identifiers: MedGen CN230736.
Hereditary cancer-predisposing syndrome. Also called: Tumor predisposition; Hereditary neoplastic syndrome; Neoplastic Syndromes, Hereditary; Hereditary Cancer Syndrome. Identifiers: Orphanet 140162, MedGen C0027672, MeSH D009386, MONDO:0015356.
Café-au-lait macules with pulmonary stenosis (WTSN). Also called: PULMONIC STENOSIS WITH CAFE-AU-LAIT SPOTS. Identifiers: MedGen C0553586, MONDO:0008672, OMIM 193520.
Neurofibromatosis-Noonan syndrome (NFNS). Also called: NEUROFIBROMATOSIS WITH NOONAN PHENOTYPE. Identifiers: Orphanet 638, MedGen C2931482, MONDO:0011035, OMIM 601321. Disease mechanism: loss of function.
Juvenile myelomonocytic leukemia (JMML). Also called: LEUKEMIA, JUVENILE MYELOMONOCYTIC, SOMATIC. Identifiers: Orphanet 86834, MedGen C0349639, MONDO:0011908, OMIM 607785, HP:0012209.
Neurofibromatosis, familial spinal (FSNF). Identifiers: Orphanet 636, MedGen C1834235, MONDO:0008078, OMIM 162210. Disease mechanism: loss of function.
Neurofibromatosis, type 1 (NF1). Also called: Peripheral type neurofibromatosis; VON RECKLINGHAUSEN DISEASE; NEUROFIBROMATOSIS, TYPE I, SOMATIC; Neurofibromatosis, type I. Identifiers: Orphanet 636, MedGen C0027831, MONDO:0018975, OMIM 162200. Disease mechanism: loss of function.

Allele frequency attached by ClinVar (database versions not stated): gnomAD exomes below 0.00001 and 0.00001.

Submissions (6):

Labcorp Genetics (formerly Invitae), Labcorp
Classification: Benign for Neurofibromatosis, type 1. Last evaluated: 2026-01-09. Review status: criteria provided, single submitter. Criteria: Invitae Variant Classification Sherloc (09022015). Collection method: clinical testing. Allele origin: germline.

PreventionGenetics, part of Exact Sciences
Classification: Uncertain significance for NF1-related condition. Last evaluated: 2025-04-23. Review status: criteria provided, single submitter. Criteria: ACMG Guidelines, 2015. Collection method: clinical testing. Allele origin: germline.
Comment: The NF1 c.3778A>G variant is predicted to result in the amino acid substitution p.Met1260Val. To our knowledge, this variant has not been reported in the literature. This variant is reported in 0.0058% of alleles in individuals of Latino descent in gnomAD. At this time, the clinical significance of this variant is uncertain due to the absence of conclusive functional and genetic evidence.

Ambry Genetics
Classification: Uncertain significance for Cardiovascular phenotype; Hereditary cancer-predisposing syndrome. Last evaluated: 2024-02-27. Review status: criteria provided, single submitter. Criteria: Ambry Variant Classification Scheme 2023. Collection method: clinical testing. Allele origin: germline.
Comment: The p.M1260V variant (also known as c.3778A>G), located in coding exon 28 of the NF1 gene, results from an A to G substitution at nucleotide position 3778. The methionine at codon 1260 is replaced by valine, an amino acid with highly similar properties. This amino acid position is highly conserved in available vertebrate species. In addition, this alteration is predicted to be deleterious by in silico analysis. Since supporting evidence is limited at this time, the clinical significance of this alteration remains unclear.

Fulgent Genetics
Classification: Uncertain significance for Neurofibromatosis, type 1; Neurofibromatosis, familial spinal; Café-au-lait macules with pulmonary stenosis; Neurofibromatosis-Noonan syndrome; Juvenile myelomonocytic leukemia. Last evaluated: 2024-02-03. Review status: criteria provided, single submitter. Criteria: ACMG Guidelines, 2015. Collection method: clinical testing. Allele origin: germline.

GeneDx
Classification: Uncertain significance. Last evaluated: 2023-10-10. Review status: criteria provided, single submitter. Criteria: GeneDx Variant Classification Process June 2021. Collection method: clinical testing. Allele origin: germline. Affected: yes.
Comment: In silico analysis supports that this missense variant has a deleterious effect on protein structure/function; Has not been previously published as pathogenic or benign to our knowledge; This variant is associated with the following publications: (PMID: 25486365, 22807134)

Genome-Nilou Lab
Classification: Uncertain significance for Neurofibromatosis, type 1. Last evaluated: 2022-03-15. Review status: criteria provided, single submitter. Criteria: ACMG Guidelines, 2015. Collection method: clinical testing. Allele origin: germline. Affected: no.

NM_001042492.3(NF1):c.3778A>G (p.Met1260Val)

Gene: NF1 (neurofibromin 1; plus strand). Cytogenetic location: 17q11.2.
Variant type: single nucleotide variant.
Coding change: c.3778A>G on transcript NM_001042492.3 (MANE Select); coding-DNA position 3778, A replaced by G.
Protein change: p.Met1260Val; replaces methionine 1260 with valine.
Molecular consequence: missense variant.
Genome position (GRCh38, 1-based): chr17:31,235,680, A>G. VCF-style: chr17-31235680-A-G. GRCh37 (hg19) VCF-style: chr17-29562698-A-G.
Other names: c.3778A>G, p.Met1260Val (NM_000267.4); short protein forms M1260V.
Identifiers: ClinVar variation 457667 (VCV000457667.18), dbSNP rs1264981144, ClinGen allele CA398992568.